The following is an entry in ClinVar:

NM_002334.4(LRP4):c.1732C>T (p.Arg578Cys)

Gene: LRP4 (LDL receptor related protein 4; minus strand). Cytogenetic location: 11p11.2.
Variant type: single nucleotide variant.
Coding change: c.1732C>T on transcript NM_002334.4 (MANE Select); coding-DNA position 1732, C replaced by T.
Protein change: p.Arg578Cys; replaces arginine 578 with cysteine.
Molecular consequence: missense variant.
Genome position (GRCh38, 1-based): chr11:46,890,460, G>A on the plus strand (C>T on the coding strand, the complement: LRP4 is on the minus strand). VCF-style: chr11-46890460-G-A. GRCh37 (hg19) VCF-style: chr11-46912011-G-A.
Other names: c.1732C>T (NM_002334.3); short protein forms R578C.
Identifiers: ClinVar variation 3599717 (VCV003599717.2).

ClinVar aggregate classification (germline): Uncertain significance. Review status: criteria provided, multiple submitters, no conflicts (2 of 4 stars). 2 submissions from 2 submitters: Uncertain significance (2). Last evaluated 2025-10-07.

Conditions:
Sclerosteosis 2 (SOST2). Identifiers: Orphanet 3152, MedGen C3280402, MONDO:0013679, OMIM 614305.
Cenani-Lenz syndactyly syndrome. Also called: CENANI SYNDACTYLISM; SYNDACTYLY, TYPE VII. Identifiers: Orphanet 3258, MedGen C1859309, MONDO:0008931, OMIM 212780.
Congenital myasthenic syndrome 17. Identifiers: Orphanet 590, MedGen C4225377, MONDO:0014578, OMIM 616304.
Inborn genetic diseases. Identifiers: MedGen C0950123, MeSH D030342.

gnomAD v4.1: 13 of 1,613,370 alleles (0.00081%); highest among the groups gnomAD compares: Admixed American, 0.0017%; no homozygotes.

Submissions (2):

Ambry Genetics
Classification: Uncertain significance for Inborn genetic diseases. Last evaluated: 2025-10-07. Review status: criteria provided, single submitter. Criteria: Ambry Variant Classification Scheme 2023. Collection method: clinical testing. Allele origin: germline.
Comment: The c.1732C>T (p.R578C) alteration is located in exon 14 (coding exon 14) of the LRP4 gene. This alteration results from a C to T substitution at nucleotide position 1732, causing the arginine (R) at amino acid position 578 to be replaced by a cysteine (C). Based on data from gnomAD, the T allele has an overall frequency of 0.006% (2/31380) total alleles studied. The highest observed frequency was 0.013% (2/15418) of European (non-Finnish) alleles. Based on insufficient or conflicting evidence, the clinical significance of this alteration remains unclear.

Fulgent Genetics
Classification: Uncertain significance for Cenani-Lenz syndactyly syndrome; Sclerosteosis 2; Congenital myasthenic syndrome 17. Last evaluated: 2024-05-02. Review status: criteria provided, single submitter. Criteria: ACMG Guidelines, 2015. Collection method: clinical testing. Allele origin: germline.